The following is an entry in ClinVar:

ClinVar aggregate classification (germline): Uncertain significance (1 of 4 stars; one submission).

Conditions:
Encephalopathy, progressive, early-onset, with brain edema and/or leukoencephalopathy, 1 (PEBEL1). Also called: NAD(P)HX epimerase deficiency. Identifiers: Orphanet 555407, MedGen C4310675, MONDO:0020781, OMIM 617186.

gnomAD v4.1: 8 of 1,614,250 alleles (0.0005%); highest among the groups gnomAD compares: South Asian, 0.0022%; no homozygotes.

Submission:

Ozbek Human Genetics Laboratory, Izmir Biomedicine and Genome Center
Classification: Uncertain significance for Encephalopathy, progressive, early-onset, with brain edema and/or leukoencephalopathy, 1. Last evaluated: 2024-11-05. Review status: criteria provided, single submitter. Criteria: ACMG Guidelines, 2015. Collection method: research. Allele origin: unknown. Affected: yes. Observed: 1 variant allele, 1 homozygote.
Comment: A homozygous (NM_144772.3):c.235A>G (p.Ser79Gly) missense variant was detected in exon 2 of the NAXE gene. This variant is reported very rarely in population databases (PM2). It cannot be determined whether the variant has a damaging effect at the protein level according to in silico algorithms (CADD: Damaging, REVEL-MetaLR-AlphaMissense: Uncertain). Based on this information, it is classified as a Variant of Uncertain Significance (VUS). In the literature review, late-onset cases have been reported for the clinical condition caused by this gene, although rare. It has been observed that the clinical presentation can be triggered by fever, inflammation, and stress. Leukodystrophy, cerebellar atrophy, and superior cerebellar vermis atrophy have been reported in the brain MRI of affected cases. Although accompanying erythematous or bullous lesions are reported in some cases, there are also cases without skin findings (PMID: 38419707, 36773198, 35637064, 31758406). Data obtained via the RAREBOOST project (Horizon 2020 ERA Chairs at Izmir Biomedicine and Genome Center - IBG)

Literature cited by the submitters: PubMed 38419707; PubMed 36773198; PubMed 35637064; PubMed 31758406.

NM_144772.3(NAXE):c.235A>G (p.Ser79Gly)

Gene: NAXE (NAD(P)HX epimerase; plus strand). Cytogenetic location: 1q22.
Variant type: single nucleotide variant.
Coding change: c.235A>G on transcript NM_144772.3 (MANE Select); coding-DNA position 235, A replaced by G.
Protein change: p.Ser79Gly; replaces serine 79 with glycine.
Molecular consequence: missense variant.
Genome position (GRCh38, 1-based): chr1:156,592,153, A>G. VCF-style: chr1-156592153-A-G. GRCh37 (hg19) VCF-style: chr1-156561945-A-G.
Other names: short protein forms S79G.
Identifiers: ClinVar variation 4813281 (VCV004813281.1).